The following is an entry in ClinVar:

NM_032242.4(PLXNA1):c.1876G>A (p.Ala626Thr)

Gene: PLXNA1 (plexin A1; plus strand). Cytogenetic location: 3q21.3.
Variant type: single nucleotide variant.
Coding change: c.1876G>A on transcript NM_032242.4 (MANE Select); coding-DNA position 1876, G replaced by A.
Protein change: p.Ala626Thr; replaces alanine 626 with threonine.
Molecular consequence: missense variant.
Genome position (GRCh38, 1-based): chr3:127,005,222, G>A. VCF-style: chr3-127005222-G-A. GRCh37 (hg19) VCF-style: chr3-126724065-G-A.
Other names: short protein forms A626T.
Identifiers: ClinVar variation 4985853 (VCV004985853.1).

ClinVar aggregate classification (germline): Uncertain significance (1 of 4 stars; one submission).

Conditions:
PLXNA1-related disorder. Also called: PLXNA1-related condition.

gnomAD v4.1: 2 of 1,610,196 alleles (0.00012%); highest among the groups gnomAD compares: African/African-American, 0.0027%; no homozygotes.

Submission:

PreventionGenetics, part of Exact Sciences
Classification: Uncertain significance for PLXNA1-related condition. Last evaluated: 2026-07-29. Review status: criteria provided, single submitter. Criteria: ACMG Guidelines, 2015. Collection method: clinical testing. Allele origin: germline.
Comment: The PLXNA1 c.1876G>A variant is predicted to result in the amino acid substitution p.Ala626Thr. To our knowledge, this variant has not been reported in the literature or in a large population database (gnomAD), indicating this variant is rare. At this time, the clinical significance of this variant is uncertain due to the absence of conclusive functional and genetic evidence.